The following is an entry in ClinVar:

ClinVar aggregate classification (germline): Uncertain significance (1 of 4 stars; one submission).

gnomAD v4.1: 6 of 1,614,150 alleles (0.00037%); highest among the groups gnomAD compares: East Asian, 0.0022%; no homozygotes.

Submission:

GeneDx
Classification: Uncertain significance. Last evaluated: 2024-08-08. Review status: criteria provided, single submitter. Criteria: GeneDx Variant Classification Process June 2021. Collection method: clinical testing. Allele origin: germline. Affected: yes.
Comment: Not observed at significant frequency in large population cohorts (gnomAD); In silico analysis supports that this missense variant has a deleterious effect on protein structure/function; Has not been previously published as pathogenic or benign to our knowledge

NM_020987.5(ANK3):c.12998C>T (p.Ser4333Phe)

Gene: ANK3 (ankyrin 3; minus strand). Cytogenetic location: 10q21.2.
Variant type: single nucleotide variant.
Coding change: c.12998C>T on transcript NM_020987.5 (MANE Select); coding-DNA position 12998, C replaced by T.
Protein change: p.Ser4333Phe; replaces serine 4333 with phenylalanine.
Molecular consequence: missense variant.
Genome position (GRCh38, 1-based): chr10:60,055,725, G>A on the plus strand (C>T on the coding strand, the complement: ANK3 is on the minus strand). VCF-style: chr10-60055725-G-A. GRCh37 (hg19) VCF-style: chr10-61815483-G-A.
Other names: c.2870C>T, p.Ser957Phe (NM_001149.4); c.5450C>T, p.Ser1817Phe (NM_001204403.2); c.5471C>T, p.Ser1824Phe (NM_001204404.2); c.5468C>T, p.Ser1823Phe (NM_001320874.2); short protein forms S1817F, S1823F, S1824F, S4333F, S957F.
Identifiers: ClinVar variation 3602847 (VCV003602847.1).
Genomic context (GRCh38, chr10:60,055,725, plus strand): 5'-TCAGACCCACTGGACCCCTCTTCTTCATGGAGGCTAAGCCTTGGCTTGCCATCTGCTGGA[G>A]AAGTCCTACTCATCTTTTTCATACTGACAGGCACACAGGGTTTAGTCTCTTCTATTATAA-3'
Protein context (NP_066267.2, residues 4323-4343): PVSMKKMSRT[Ser4333Phe]PADGKPRLSL